The following is an entry in ClinVar:

NM_172362.3(KCNH1):c.1351A>G (p.Ile451Val)

Gene: KCNH1 (potassium voltage-gated channel subfamily H member 1; minus strand). Cytogenetic location: 1q32.2.
Variant type: single nucleotide variant.
Coding change: c.1351A>G on transcript NM_172362.3 (MANE Select); coding-DNA position 1351, A replaced by G.
Protein change: p.Ile451Val; replaces isoleucine 451 with valine.
Molecular consequence: missense variant.
Genome position (GRCh38, 1-based): chr1:210,919,751, T>C on the plus strand (A>G on the coding strand, the complement: KCNH1 is on the minus strand). VCF-style: chr1-210919751-T-C. GRCh37 (hg19) VCF-style: chr1-211093093-T-C.
Other names: c.1270A>G, p.Ile424Val (NM_002238.4); short protein forms I424V, I451V.
Identifiers: ClinVar variation 2151821 (VCV002151821.4), dbSNP rs1476974345, ClinGen allele CA344873162.
Genomic context (GRCh38, chr1:210,919,751, plus strand): 5'-GGGCGATGTTCCCAAAGCCCACACTGGTGAGGCTGGTCATTGTGAAATACAACGAGGAGA[T>C]GTAGACAGAATTCTTGCTGGGACCACCTTCCCACTTCCCTGAGCCAGACCCATTAAACTG-3'
Protein context (NP_758872.1, residues 441-461): EGGPSKNSVY[Ile451Val]SSLYFTMTSL

ClinVar aggregate classification (germline): Uncertain significance (1 of 4 stars; one submission).

Allele frequency attached by ClinVar (database versions not stated): gnomAD exomes below 0.00001.
gnomAD v4.1: 3 of 1,614,152 alleles (0.00019%); highest among the groups gnomAD compares: Non-Finnish European, 0.00025%; no homozygotes.

Submission:

Labcorp Genetics (formerly Invitae), Labcorp
Classification: Uncertain significance. Last evaluated: 2023-08-24. Review status: criteria provided, single submitter. Criteria: Invitae Variant Classification Sherloc (09022015). Collection method: clinical testing. Allele origin: germline.
Comment: Advanced modeling of protein sequence and biophysical properties (such as structural, functional, and spatial information, amino acid conservation, physicochemical variation, residue mobility, and thermodynamic stability) performed at Invitae indicates that this missense variant is expected to disrupt KCNH1 protein function. In summary, the available evidence is currently insufficient to determine the role of this variant in disease. Therefore, it has been classified as a Variant of Uncertain Significance. ClinVar contains an entry for this variant (Variation ID: 2151821). This variant has not been reported in the literature in individuals affected with KCNH1-related conditions. This variant is present in population databases (no rsID available, gnomAD 0.002%). This sequence change replaces isoleucine, which is neutral and non-polar, with valine, which is neutral and non-polar, at codon 451 of the KCNH1 protein (p.Ile451Val).